The following is an entry in ClinVar:

NM_004329.3(BMPR1A):c.1290C>T (p.Ile430=)

Gene: BMPR1A (bone morphogenetic protein receptor type 1A; plus strand). Cytogenetic location: 10q23.2.
Variant type: single nucleotide variant.
Coding change: c.1290C>T on transcript NM_004329.3 (MANE Select); coding-DNA position 1290, C replaced by T.
Protein change: p.Ile430=; no amino-acid change (isoleucine 430 retained).
Molecular consequence: synonymous variant.
Genome position (GRCh38, 1-based): chr10:86,921,643, C>T. VCF-style: chr10-86921643-C-T. GRCh37 (hg19) VCF-style: chr10-88681400-C-T.
Other names: c.1290C>T (NM_004329.2).
Identifiers: ClinVar variation 1109947 (VCV001109947.11), dbSNP rs2133608002, ClinGen allele CA470308402.

ClinVar aggregate classification (germline): Benign/Likely benign. Review status: criteria provided, multiple submitters, no conflicts (2 of 4 stars). 3 submissions from 3 submitters: Benign (1); Likely benign (2). Last evaluated 2024-10-25.

Conditions:
Juvenile polyposis syndrome (JPS). Identifiers: Orphanet 2929, MedGen C0345893, MONDO:0017380, OMIM 174900.
Hereditary cancer-predisposing syndrome. Also called: Hereditary neoplastic syndrome; Tumor predisposition; Neoplastic Syndromes, Hereditary; Hereditary Cancer Syndrome. Identifiers: Orphanet 140162, MedGen C0027672, MeSH D009386, MONDO:0015356.

Submissions (3):

Ambry Genetics
Classification: Likely benign for Hereditary cancer-predisposing syndrome. Last evaluated: 2024-10-25. Review status: criteria provided, single submitter. Criteria: Ambry Variant Classification Scheme 2023. Collection method: clinical testing. Allele origin: germline.

Myriad Genetics, Inc.
Classification: Benign for Juvenile polyposis syndrome. Last evaluated: 2024-08-07. Review status: criteria provided, single submitter. Criteria: Myriad Autosomal Dominant, Autosomal Recessive and X-Linked Classification Criteria (2023). Collection method: clinical testing. Allele origin: unknown.
Comment: This variant is considered benign. This variant is a silent/synonymous amino acid change and it is not expected to impact splicing.

Labcorp Genetics (formerly Invitae), Labcorp
Classification: Likely benign for Juvenile polyposis syndrome. Last evaluated: 2019-05-02. Review status: criteria provided, single submitter. Criteria: Invitae Variant Classification Sherloc (09022015). Collection method: clinical testing. Allele origin: germline.